The following is an entry in ClinVar:

NM_213599.3(ANO5):c.1203G>T (p.Trp401Cys)

Gene: ANO5 (anoctamin 5; plus strand). Cytogenetic location: 11p14.3.
Variant type: single nucleotide variant.
Coding change: c.1203G>T on transcript NM_213599.3 (MANE Select); coding-DNA position 1203, G replaced by T.
Protein change: p.Trp401Cys; replaces tryptophan 401 with cysteine.
Molecular consequence: missense variant.
Genome position (GRCh38, 1-based): chr11:22,255,393, G>T. VCF-style: chr11-22255393-G-T. GRCh37 (hg19) VCF-style: chr11-22276939-G-T.
Other names: c.1200G>T, p.Trp400Cys (NM_001142649.2); short protein forms W401C, W400C.
Identifiers: ClinVar variation 282200 (VCV000282200.12), dbSNP rs886042339, ClinGen allele CA10604101.

ClinVar aggregate classification (germline): Uncertain significance. Review status: criteria provided, multiple submitters, no conflicts (2 of 4 stars). 4 submissions from 4 submitters: Uncertain significance (4). Last evaluated 2025-09-24.

Conditions:
Gnathodiaphyseal dysplasia (GDD). Also called: GNATHODIAPHYSEAL SCLEROSIS; OSTEOGENESIS IMPERFECTA WITH UNUSUAL SKELETAL LESIONS. Identifiers: Orphanet 53697, MedGen C1833736, MONDO:0008151, OMIM 166260.
Autosomal recessive limb-girdle muscular dystrophy type 2L (LGMDR12). Also called: Limb-girdle muscular dystrophy, type 2L; Limb-Girdle Muscular Dystrophy R12 Anoctamin-5-Related (LGMD-R12); MUSCULAR DYSTROPHY, LIMB-GIRDLE, AUTOSOMAL RECESSIVE 12. Identifiers: Orphanet 206549, MedGen C1969785, MONDO:0012652, OMIM 611307.
Inborn genetic diseases. Identifiers: MedGen C0950123, MeSH D030342.

Allele frequency attached by ClinVar (database versions not stated): gnomAD exomes below 0.00001 and 0.00002; TOPMed below 0.00001; gnomAD 0.00001.
gnomAD v4.1: 10 of 1,610,072 alleles (0.00062%); highest among the groups gnomAD compares: Admixed American, 0.0017%; no homozygotes.

Submissions (4):

Labcorp Genetics (formerly Invitae), Labcorp
Classification: Uncertain significance for Autosomal recessive limb-girdle muscular dystrophy type 2L; Gnathodiaphyseal dysplasia. Last evaluated: 2025-09-24. Review status: criteria provided, single submitter. Criteria: Invitae Variant Classification Sherloc (09022015). Collection method: clinical testing. Allele origin: germline.
Comment: This sequence change replaces tryptophan, which is neutral and slightly polar, with cysteine, which is neutral and slightly polar, at codon 401 of the ANO5 protein (p.Trp401Cys). This variant is present in population databases (no rsID available, gnomAD 0.0009%). This missense change has been observed in individual(s) with clinical features of autosomal recessive ANO5-related conditions (internal data). ClinVar contains an entry for this variant (Variation ID: 282200). Invitae Evidence Modeling of protein sequence and biophysical properties (such as structural, functional, and spatial information, amino acid conservation, physicochemical variation, residue mobility, and thermodynamic stability) indicates that this missense variant is expected to disrupt ANO5 protein function with a positive predictive value of 95%. In summary, the available evidence is currently insufficient to determine the role of this variant in disease. Therefore, it has been classified as a Variant of Uncertain Significance.

Women's Health and Genetics/Laboratory Corporation of America, LabCorp
Classification: Uncertain significance. Last evaluated: 2023-05-31. Review status: criteria provided, single submitter. Criteria: LabCorp Variant Classification Summary - May 2015. Collection method: clinical testing. Allele origin: germline.
Comment: Variant summary: ANO5 c.1203G>T (p.Trp401Cys) results in a non-conservative amino acid change in the encoded protein sequence. Five of five in-silico tools predict a damaging effect of the variant on protein function. The variant allele was found at a frequency of 4e-06 in 248502 control chromosomes (gnomAD). The available data on variant occurrences in the general population are insufficient to allow any conclusion about variant significance. To our knowledge, no occurrence of c.1203G>T in individuals affected with Limb-Girdle Muscular Dystrophy, Autosomal Recessive and no experimental evidence demonstrating its impact on protein function have been reported. Three clinical diagnostic laboratories have submitted clinical-significance assessments for this variant to ClinVar after 2014 and all classified the variant as uncertain significance. Based on the evidence outlined above, the variant was classified as uncertain significance.

Ambry Genetics
Classification: Uncertain significance for Inborn genetic diseases. Last evaluated: 2022-11-17. Review status: criteria provided, single submitter. Criteria: Ambry Variant Classification Scheme 2023. Collection method: clinical testing. Allele origin: germline.

Eurofins Ntd Llc (ga)
Classification: Uncertain significance. Last evaluated: 2015-07-31. Review status: criteria provided, single submitter. Criteria: EGL Classification Definitions 2015. Collection method: clinical testing. Allele origin: germline. Observed: 1 variant allele, 1 heterozygote.